The following is an entry in ClinVar:

ClinVar aggregate classification (germline): Uncertain significance (1 of 4 stars; one submission).

Conditions:
Hereditary cancer-predisposing syndrome. Also called: Tumor predisposition; Hereditary Cancer Syndrome; Hereditary neoplastic syndrome; Neoplastic Syndromes, Hereditary. Identifiers: Orphanet 140162, MedGen C0027672, MeSH D009386, MONDO:0015356.

Allele frequency attached by ClinVar (database versions not stated): ExAC 0.00001; gnomAD 0.00001; 1000 Genomes Project 30x 0.00016; 1000 Genomes Project 0.00020.
gnomAD v4.1: 1 of 1,614,202 alleles (0.000062%); highest among the groups gnomAD compares: African/African-American, 0.0013%; no homozygotes.

Submission:

Ambry Genetics
Classification: Uncertain significance for Hereditary cancer-predisposing syndrome. Last evaluated: 2023-09-04. Review status: criteria provided, single submitter. Criteria: Ambry Variant Classification Scheme 2023. Collection method: clinical testing. Allele origin: germline.
Comment: The p.S131C variant (also known as c.392C>G), located in coding exon 3 of the SUFU gene, results from a C to G substitution at nucleotide position 392. The serine at codon 131 is replaced by cysteine, an amino acid with dissimilar properties. This amino acid position is conserved. In addition, the in silico prediction for this alteration is inconclusive. Since supporting evidence is limited at this time, the clinical significance of this alteration remains unclear.

NM_016169.4(SUFU):c.392C>G (p.Ser131Cys)

Gene: SUFU (SUFU negative regulator of hedgehog signaling; plus strand). Cytogenetic location: 10q24.32.
Variant type: single nucleotide variant.
Coding change: c.392C>G on transcript NM_016169.4 (MANE Select); coding-DNA position 392, C replaced by G.
Protein change: p.Ser131Cys; replaces serine 131 with cysteine.
Molecular consequence: missense variant.
Genome position (GRCh38, 1-based): chr10:102,550,044, C>G. VCF-style: chr10-102550044-C-G. GRCh37 (hg19) VCF-style: chr10-104309801-C-G.
Other names: c.392C>G, p.Ser131Cys (NM_001178133.2); short protein forms S131C.
Identifiers: ClinVar variation 2624838 (VCV002624838.2), dbSNP rs199626362, ClinGen allele CA5667665.